The following is an entry in ClinVar:

ClinVar aggregate classification (germline): Pathogenic. Review status: reviewed by expert panel (3 of 4 stars). 11 submissions from 10 submitters: Pathogenic (1). 10 of the submissions do not count toward it. Last evaluated 2017-03-17.

Conditions:
CFTR-related disorder (CFTR-RD). Also called: CFTR-related condition; CFTR-related disorders. Identifiers: MedGen C5924204, MONDO:7770004.
Cystic fibrosis (CF). Also called: MUCOVISCIDOSIS. Identifiers: Orphanet 586, MedGen C0010674, MONDO:0009061, OMIM 219700. Disease mechanism: loss of function.
Congenital bilateral aplasia of vas deferens from CFTR mutation (CBAVD). Identifiers: Orphanet 48, MedGen C0403814, MONDO:0010178, OMIM 277180. Disease mechanism: loss of function.
Hereditary pancreatitis (PCTT). Also called: Hereditary chronic pancreatitis; PRSS1-Related Hereditary Pancreatitis. Identifiers: Orphanet 676, MedGen C0238339, MONDO:0008185, OMIM 167800.
Bronchiectasis with or without elevated sweat chloride 1 (BESC1). Also called: Cystic Fibrosis-Like Syndrome. Identifiers: Orphanet 60033, MedGen C2749757, MONDO:0008887, OMIM 211400.

Allele frequency attached by ClinVar (database versions not stated): gnomAD exomes below 0.00001.
gnomAD v4.1: 3 of 1,612,880 alleles (0.00019%); highest among the groups gnomAD compares: Non-Finnish European, 0.00025%; no homozygotes.

Submissions (11):

CFTR2
Classification: Pathogenic for Cystic fibrosis. Last evaluated: 2017-03-17. Review status: reviewed by expert panel. Criteria: Sosnay PR et al. (Nat Genet 2013). Collection method: research. Allele origin: germline. Affected: yes. Study: CFTR2.

Women's Health and Genetics/Laboratory Corporation of America, LabCorp
Classification: Pathogenic for Cystic fibrosis. Last evaluated: 2026-01-13. Review status: criteria provided, single submitter. Criteria: LabCorp Variant Classification Summary - May 2015. Collection method: clinical testing. Allele origin: germline. Not counted in ClinVar's aggregate classification.
Comment: Variant summary: CFTR c.2538G>A (p.Trp846X) results in a premature termination codon, predicted to cause a truncation of the encoded protein or absence of the protein due to nonsense mediated decay, which are commonly known mechanisms for disease. The variant allele was found at a frequency of 4e-06 in 251338 control chromosomes. c.2538G>A has been observed in multiple individuals affected with Cystic Fibrosis (example: Fichou_2008). These data indicate that the variant is very likely to be associated with disease. The following publication has been ascertained in the context of this evaluation (PMID: 17825628). ClinVar contains an entry for this variant (Variation ID: 7127). Based on the evidence outlined above, the variant was classified as pathogenic.

Natera, Inc.
Classification: Pathogenic for CFTR-related disorders. Last evaluated: 2024-08-01. Review status: criteria provided, single submitter. Criteria: Natera Variant Classification Schema (03/2026). Collection method: clinical testing. Allele origin: germline. Not counted in ClinVar's aggregate classification.
Comment: The c.2538G>A variant in CFTR is a nonsense variant predicted to introduce a stop codon at amino acid 846. This variant is expected to result in nonsense mediated decay, truncation, or a dysfunctional protein product. This variant is rare in the general population with a frequency below the threshold expected for the associated phenotype(s). This variant has been observed in one or more individuals affected with the associated recessive disease, as either homozygous or compound heterozygous with a second variant (PMID: 17825628). Given the available evidence, this variant is classified as Pathogenic.

Fulgent Genetics
Classification: Pathogenic for Hereditary pancreatitis; Bronchiectasis with or without elevated sweat chloride 1; Cystic fibrosis; Congenital bilateral aplasia of vas deferens from CFTR mutation. Last evaluated: 2024-03-06. Review status: criteria provided, single submitter. Criteria: ACMG Guidelines, 2015. Collection method: clinical testing. Allele origin: germline. Not counted in ClinVar's aggregate classification.

Baylor Genetics
Classification: Pathogenic for Bronchiectasis with or without elevated sweat chloride 1. Last evaluated: 2023-11-28. Review status: criteria provided, single submitter. Criteria: ACMG Guidelines, 2015. Collection method: clinical testing. Allele origin: unknown. Not counted in ClinVar's aggregate classification.

Labcorp Genetics (formerly Invitae), Labcorp
Classification: Pathogenic for Cystic fibrosis. Last evaluated: 2022-04-24. Review status: criteria provided, single submitter. Criteria: Invitae Variant Classification Sherloc (09022015). Collection method: clinical testing. Allele origin: germline. Not counted in ClinVar's aggregate classification.
Comment: For these reasons, this variant has been classified as Pathogenic. ClinVar contains an entry for this variant (Variation ID: 7127). This premature translational stop signal has been observed in individuals with CFTR-related conditions (PMID: 2210768, 7689897, 23974870, 25122143, 28603918). This variant is present in population databases (rs267606722, gnomAD 0.0009%). This sequence change creates a premature translational stop signal (p.Trp846*) in the CFTR gene. It is expected to result in an absent or disrupted protein product. Loss-of-function variants in CFTR are known to be pathogenic (PMID: 1695717, 7691345, 9725922).

Johns Hopkins Genomics, Johns Hopkins University
Classification: Pathogenic for Cystic fibrosis. Last evaluated: 2020-03-09. Review status: criteria provided, single submitter. Criteria: ACMG Guidelines, 2015. Collection method: clinical testing. Allele origin: germline. Not counted in ClinVar's aggregate classification.
Comment: Disease-causing CFTR variant. See CFTR2 for phenotype information.

CFTR-France
Classification: Pathogenic for cystic fibrosis. Last evaluated: 2018-01-29. Review status: criteria provided, single submitter. Criteria: Claustres M et al. (Hum Mutat 2017). Collection method: curation. Allele origin: germline. Affected: yes. Not counted in ClinVar's aggregate classification.

Baylor Genetics
Classification: Pathogenic for Congenital bilateral aplasia of vas deferens from CFTR mutation; Cystic fibrosis. Review status: criteria provided, single submitter. Criteria: ACMG Guidelines, 2015. Collection method: clinical testing. Allele origin: germline. Not counted in ClinVar's aggregate classification.

Counsyl
Classification: Pathogenic for Cystic fibrosis. Last evaluated: 2015-08-04. Review status: no assertion criteria provided. Collection method: clinical testing. Allele origin: unknown. Not counted in ClinVar's aggregate classification.

OMIM
Classification: Pathogenic for CYSTIC FIBROSIS. Last evaluated: 1990-09-01. Review status: no assertion criteria provided. Collection method: literature only. Allele origin: germline. Not counted in ClinVar's aggregate classification.

Literature cited by the submitters: PubMed 17825628 (cited by Women's Health and Genetics/Laboratory Corporation of America, LabCorp and Natera, Inc.); PubMed 2210768 (cited by Labcorp Genetics (formerly Invitae), Labcorp and OMIM); PubMed 7689897 (cited by Labcorp Genetics (formerly Invitae), Labcorp); PubMed 23974870 (cited by Labcorp Genetics (formerly Invitae), Labcorp and Counsyl); PubMed 25122143 (cited by Labcorp Genetics (formerly Invitae), Labcorp); PubMed 28603918 (cited by Labcorp Genetics (formerly Invitae), Labcorp); PubMed 1695717 (cited by Labcorp Genetics (formerly Invitae), Labcorp); PubMed 7691345 (cited by Labcorp Genetics (formerly Invitae), Labcorp); PubMed 9725922 (cited by Labcorp Genetics (formerly Invitae), Labcorp); PubMed 12070264 (cited by Counsyl).

NM_000492.4(CFTR):c.2538G>A (p.Trp846Ter)

Gene: CFTR (CF transmembrane conductance regulator; plus strand). Cytogenetic location: 7q31.2.
Variant type: single nucleotide variant.
Coding change: c.2538G>A on transcript NM_000492.4 (MANE Select); coding-DNA position 2538, G replaced by A.
Protein change: p.Trp846Ter; replaces tryptophan 846 with a stop codon.
Molecular consequence: nonsense.
Genome position (GRCh38, 1-based): chr7:117,594,977, G>A. VCF-style: chr7-117594977-G-A. GRCh37 (hg19) VCF-style: chr7-117235031-G-A.
Other names: short protein forms W846*.
Identifiers: ClinVar variation 7127 (VCV000007127.21), dbSNP rs267606722, ClinGen allele CA325527.
Genomic context (GRCh38, chr7:117,594,977, plus strand): 5'-TTCTTTTATTCAGGAGTGCTTTTTTGATGATATGGAGAGCATACCAGCAGTGACTACATG[G>A]AACACATACCTTCGATATATTACTGTCCACAAGAGCTTAATTTTTGTGCTAATTTGGTGC-3'